The following is an entry in ClinVar:

ClinVar aggregate classification (germline): Conflicting classifications of pathogenicity. Review status: criteria provided, conflicting classifications (1 of 4 stars). 2 submissions from 2 submitters: Uncertain significance (1); Likely benign (1). Last evaluated 2025-08-29.

Conditions:
Hereditary cancer-predisposing syndrome. Also called: Tumor predisposition; Hereditary Cancer Syndrome; Hereditary neoplastic syndrome; Neoplastic Syndromes, Hereditary. Identifiers: Orphanet 140162, MedGen C0027672, MeSH D009386, MONDO:0015356.
DICER1-related tumor predisposition. Also called: DICER1-related pleuropulmonary blastoma cancer predisposition syndrome; DICER1 syndrome. Identifiers: Orphanet 284343, MedGen C3839822, MONDO:0100216.

Allele frequency attached by ClinVar (database versions not stated): TOPMed 0.00001.

Submissions (2):

Labcorp Genetics (formerly Invitae), Labcorp
Classification: Likely benign for DICER1-related tumor predisposition. Last evaluated: 2025-08-29. Review status: criteria provided, single submitter. Criteria: Invitae Variant Classification Sherloc (09022015). Collection method: clinical testing. Allele origin: germline.

Ambry Genetics
Classification: Uncertain significance for Hereditary cancer-predisposing syndrome. Last evaluated: 2017-10-03. Review status: criteria provided, single submitter. Criteria: Ambry Variant Classification Scheme 2023. Collection method: clinical testing. Allele origin: germline.
Comment: The c.2117-5G>A intronic variant results from a G to A substitution 5 nucleotides upstream from coding exon 13 in the DICER1 gene. This nucleotide position is poorly conserved in available vertebrate species. Using the BDGP and ESEfinder splice site prediction tools, this alteration is not predicted to have any significant effect on this splice acceptor site; however, direct evidence is unavailable. Since supporting evidence is limited at this time, the clinical significance of this alteration remains unclear.

NM_177438.3(DICER1):c.2117-5G>A

Gene: DICER1 (dicer 1, ribonuclease III; minus strand). Cytogenetic location: 14q32.13.
Variant type: single nucleotide variant.
Coding change: c.2117-5G>A on transcript NM_177438.3 (MANE Select); 5 bases into the intron before coding-DNA position 2117, G replaced by A.
Molecular consequence: intron variant.
Genome position (GRCh38, 1-based): chr14:95,111,461, C>T on the plus strand (G>A on the coding strand, the complement: DICER1 is on the minus strand). VCF-style: chr14-95111461-C-T. GRCh37 (hg19) VCF-style: chr14-95577798-C-T.
Other names: c.2117-5G>A (NM_001291628.2, NM_030621.4, NM_001271282.3 and 1 more transcripts).
Identifiers: ClinVar variation 1537024 (VCV001537024.11), dbSNP rs1486214757, ClinGen allele CA710136470.
Genomic context (GRCh38, chr14:95,111,461, plus strand): 5'-CTCTTCATATTTAACAGTCTCTTTCCCAACTGGCATCAAATGGTCATCCAGTTCGCCTAA[C>T]AAATTTAAAGAGAGAATTAACACAATCCAGATTTTGCCTGATTAATTAGTAAAGAATTTA-3'